The following is an entry in ClinVar:

NM_000051.4(ATM):c.6453-614A>T

Genes: ATM (ATM serine/threonine kinase; plus strand), C11orf65 (chromosome 11 open reading frame 65; minus strand). Cytogenetic location: 11q22.3.
Variant type: single nucleotide variant.
Coding change: c.6453-614A>T on transcript NM_000051.4 (MANE Select); 614 bases into the intron before coding-DNA position 6453, A replaced by T.
Molecular consequence: intron variant.
Genome position (GRCh38, 1-based): chr11:108,320,687, A>T. VCF-style: chr11-108320687-A-T. GRCh37 (hg19) VCF-style: chr11-108191414-A-T.
Other names: c.6453-614A>T (NM_001351834.2); c.641-11616T>A (NM_001330368.2); c.*39-11616T>A (NM_001351110.2).
Identifiers: ClinVar variation 4827591 (VCV004827591.1).
Genomic context (GRCh38, chr11:108,320,687, plus strand): 5'-AGAGAAGTCCAGTAACATGCCCAAAGTTACACAGCTATAAGTGACAGAACTGCAATTTAG[A>T]TCTAGGTCTGTGTGATTCCAAGGTTTACAGTTGATCCTTGAACCACTTGGAGGTTAGGAG-3'

ClinVar aggregate classification (germline): Uncertain significance (1 of 4 stars; one submission).

Conditions:
Hereditary cancer-predisposing syndrome. Also called: Tumor predisposition; Hereditary neoplastic syndrome; Hereditary Cancer Syndrome; Neoplastic Syndromes, Hereditary. Identifiers: Orphanet 140162, MedGen C0027672, MeSH D009386, MONDO:0015356.

Submission:

Ambry Genetics
Classification: Uncertain significance for Hereditary cancer-predisposing syndrome. Last evaluated: 2026-03-06. Review status: criteria provided, single submitter. Criteria: Ambry Variant Classification Scheme 2023. Collection method: clinical testing. Allele origin: germline.
Comment: The c.6453-614A>T intronic variant results from an A to T substitution 614 nucleotides upstream from coding exon 44 in the ATM gene. This nucleotide position is well conserved in available vertebrate species. In silico splice site analysis predicts that this alteration will result in the creation or strengthening of a novel splice acceptor site; however, direct evidence is insufficient at this time (Ambry internal data). Based on the available evidence, the clinical significance of this variant remains unclear.